The following is an entry in ClinVar:

ClinVar aggregate classification (germline): Uncertain significance. Review status: criteria provided, multiple submitters, no conflicts (2 of 4 stars). 4 submissions from 4 submitters: Uncertain significance (4). Last evaluated 2025-12-24.

Conditions:
Brugada syndrome 8 (BRGDA8). Identifiers: Orphanet 130, MedGen C2751083, MONDO:0013148, OMIM 613123.
Epilepsy, idiopathic generalized, susceptibility to, 18. Identifiers: MedGen C5561983, MONDO:0030434, OMIM 619521.
Sick sinus syndrome 2, autosomal dominant (SSS2). Also called: ATRIAL FIBRILLATION WITH BRADYARRHYTHMIA; SINUS BRADYCARDIA SYNDROME, FAMILIAL, AUTOSOMAL DOMINANT; SINUS NODE DISEASE, FAMILIAL, AUTOSOMAL DOMINANT; SICK SINUS SYNDROME 2; SICK SINUS SYNDROME 2 WITH OR WITHOUT CARDIAC NONCOMPACTION AND/OR ASCENDING AORTA DILATION. Identifiers: Orphanet 166282, MedGen C1834144, MONDO:0008102, OMIM 163800.
Cardiovascular phenotype. Identifiers: MedGen CN230736.

Allele frequency attached by ClinVar (database versions not stated): TOPMed 0.00001; gnomAD 0.00002; gnomAD exomes 0.00002; ExAC 0.00005.
gnomAD v4.1: 115 of 1,355,882 alleles (0.0085%); highest among the groups gnomAD compares: Non-Finnish European, 0.011%; no homozygotes.

Submissions (4):

Labcorp Genetics (formerly Invitae), Labcorp
Classification: Uncertain significance for Brugada syndrome 8. Last evaluated: 2025-12-24. Review status: criteria provided, single submitter. Criteria: Invitae Variant Classification Sherloc (09022015). Collection method: clinical testing. Allele origin: germline.
Comment: This sequence change replaces glycine, which is neutral and non-polar, with serine, which is neutral and polar, at codon 112 of the HCN4 protein (p.Gly112Ser). The frequency data for this variant in the population databases is considered unreliable, as metrics indicate poor data quality at this position in the gnomAD database. This variant has not been reported in the literature in individuals affected with HCN4-related conditions. ClinVar contains an entry for this variant (Variation ID: 404122). Invitae Evidence Modeling of protein sequence and biophysical properties (such as structural, functional, and spatial information, amino acid conservation, physicochemical variation, residue mobility, and thermodynamic stability) has been performed for this missense variant. However, the output from this modeling did not meet the statistical confidence thresholds required to predict the impact of this variant on HCN4 protein function. In summary, the available evidence is currently insufficient to determine the role of this variant in disease. Therefore, it has been classified as a Variant of Uncertain Significance.

Ambry Genetics
Classification: Uncertain significance for Cardiovascular phenotype. Last evaluated: 2025-04-13. Review status: criteria provided, single submitter. Criteria: Ambry Variant Classification Scheme 2023. Collection method: clinical testing. Allele origin: germline.
Comment: The p.G112S variant (also known as c.334G>A), located in coding exon 1 of the HCN4 gene, results from a G to A substitution at nucleotide position 334. The glycine at codon 112 is replaced by serine, an amino acid with similar properties. This amino acid position is well conserved in available vertebrate species. In addition, the in silico prediction for this alteration is inconclusive. Since supporting evidence is limited at this time, the clinical significance of this alteration remains unclear.

GeneDx
Classification: Uncertain significance. Last evaluated: 2024-03-24. Review status: criteria provided, single submitter. Criteria: GeneDx Variant Classification Process June 2021. Collection method: clinical testing. Allele origin: germline. Affected: yes.
Comment: Has not been previously published as pathogenic or benign to our knowledge; Not observed at significant frequency in large population cohorts (gnomAD); In silico analysis supports that this missense variant does not alter protein structure/function

Fulgent Genetics
Classification: Uncertain significance for Sick sinus syndrome 2, autosomal dominant; Brugada syndrome 8; Epilepsy, idiopathic generalized, susceptibility to, 18. Last evaluated: 2021-10-15. Review status: criteria provided, single submitter. Criteria: ACMG Guidelines, 2015. Collection method: clinical testing. Allele origin: unknown.

NM_005477.3(HCN4):c.334G>A (p.Gly112Ser)

Gene: HCN4 (hyperpolarization activated cyclic nucleotide gated potassium channel 4; minus strand). Cytogenetic location: 15q24.1.
Variant type: single nucleotide variant.
Coding change: c.334G>A on transcript NM_005477.3 (MANE Select); coding-DNA position 334, G replaced by A.
Protein change: p.Gly112Ser; replaces glycine 112 with serine.
Molecular consequence: missense variant.
Genome position (GRCh38, 1-based): chr15:73,367,937, C>T on the plus strand (G>A on the coding strand, the complement: HCN4 is on the minus strand). VCF-style: chr15-73367937-C-T. GRCh37 (hg19) VCF-style: chr15-73660278-C-T.
Other names: short protein forms G112S.
Identifiers: ClinVar variation 404122 (VCV000404122.15), dbSNP rs765099391, ClinGen allele CA7649484.
Genomic context (GRCh38, chr15:73,367,937, plus strand): 5'-TGAGCCGCCGCTCCTCCGCGGAGTCATGCAGGTGTCCGTGACTGCTGCCGCTCCCCGTGC[C>T]GCCGCTGCCGCCGCCCCGGCTGCCCAGCGAGGCCAGGCTCCCGCGGAAGCGCCTGCAGTC-3'
Protein context (NP_005468.1, residues 102-122): SLGSRGGGSG[Gly112Ser]TGSGSSHGHL